The following is an entry in ClinVar:

NM_198578.4(LRRK2):c.1867A>G (p.Thr623Ala)

Gene: LRRK2 (leucine rich repeat kinase 2; plus strand). Cytogenetic location: 12q12.
Variant type: single nucleotide variant.
Coding change: c.1867A>G on transcript NM_198578.4 (MANE Select); coding-DNA position 1867, A replaced by G.
Protein change: p.Thr623Ala; replaces threonine 623 with alanine.
Molecular consequence: missense variant.
Genome position (GRCh38, 1-based): chr12:40,274,919, A>G. VCF-style: chr12-40274919-A-G. GRCh37 (hg19) VCF-style: chr12-40668721-A-G.
Other names: short protein forms T623A.
Identifiers: ClinVar variation 1781596 (VCV001781596.2), dbSNP rs2499625234, ClinGen allele CA384403444.

ClinVar aggregate classification (germline): Uncertain significance (1 of 4 stars; one submission).

Conditions:
Inborn genetic diseases. Identifiers: MedGen C0950123, MeSH D030342.

Allele frequency attached by ClinVar (database versions not stated): gnomAD exomes below 0.00001.

Submission:

Ambry Genetics
Classification: Uncertain significance for Inborn genetic diseases. Last evaluated: 2022-06-18. Review status: criteria provided, single submitter. Criteria: Ambry Variant Classification Scheme 2023. Collection method: clinical testing. Allele origin: germline.
Comment: The p.T623A variant (also known as c.1867A>G), located in coding exon 16 of the LRRK2 gene, results from an A to G substitution at nucleotide position 1867. The threonine at codon 623 is replaced by alanine, an amino acid with similar properties. This amino acid position is conserved. In addition, this alteration is predicted to be tolerated by in silico analysis. Since supporting evidence is limited at this time, the clinical significance of this alteration remains unclear.